The following is an entry in ClinVar:

NM_004044.7(ATIC):c.545C>T (p.Thr182Met)

Gene: ATIC (5-aminoimidazole-4-carboxamide ribonucleotide formyltransferase/IMP cyclohydrolase; plus strand). Cytogenetic location: 2q35.
Variant type: single nucleotide variant.
Coding change: c.545C>T on transcript NM_004044.7 (MANE Select); coding-DNA position 545, C replaced by T.
Protein change: p.Thr182Met; replaces threonine 182 with methionine.
Molecular consequence: missense variant.
Genome position (GRCh38, 1-based): chr2:215,326,835, C>T. VCF-style: chr2-215326835-C-T. GRCh37 (hg19) VCF-style: chr2-216191558-C-T.
Other names: short protein forms T182M.
Identifiers: ClinVar variation 2723095 (VCV002723095.3), dbSNP rs751418575, ClinGen allele CA2093010.

ClinVar aggregate classification (germline): Uncertain significance (1 of 4 stars; one submission).

Allele frequency attached by ClinVar (database versions not stated): gnomAD 0.00002; ExAC 0.00002; gnomAD exomes 0.00003.
gnomAD v4.1: 51 of 1,613,824 alleles (0.0032%); highest among the groups gnomAD compares: Middle Eastern, 0.12%; no homozygotes.

Submission:

Labcorp Genetics (formerly Invitae), Labcorp
Classification: Uncertain significance. Last evaluated: 2025-04-20. Review status: criteria provided, single submitter. Criteria: Invitae Variant Classification Sherloc (09022015). Collection method: clinical testing. Allele origin: germline.
Comment: This sequence change replaces threonine, which is neutral and polar, with methionine, which is neutral and non-polar, at codon 182 of the ATIC protein (p.Thr182Met). The frequency data for this variant in the population databases is considered unreliable, as metrics indicate poor data quality at this position in the gnomAD database. This variant has not been reported in the literature in individuals affected with ATIC-related conditions. ClinVar contains an entry for this variant (Variation ID: 2723095). Invitae Evidence Modeling of protein sequence and biophysical properties (such as structural, functional, and spatial information, amino acid conservation, physicochemical variation, residue mobility, and thermodynamic stability) has been performed for this missense variant. However, the output from this modeling did not meet the statistical confidence thresholds required to predict the impact of this variant on ATIC protein function. In summary, the available evidence is currently insufficient to determine the role of this variant in disease. Therefore, it has been classified as a Variant of Uncertain Significance.